The following is an entry in ClinVar:

NM_018127.7(ELAC2):c.667C>T (p.His223Tyr)

Gene: ELAC2 (elaC ribonuclease Z 2; minus strand). Cytogenetic location: 17p12.
Variant type: single nucleotide variant.
Coding change: c.667C>T on transcript NM_018127.7 (MANE Select); coding-DNA position 667, C replaced by T.
Protein change: p.His223Tyr; replaces histidine 223 with tyrosine.
Molecular consequence: missense variant. On other transcripts: intron variant (1).
Genome position (GRCh38, 1-based): chr17:13,011,675, G>A on the plus strand (C>T on the coding strand, the complement: ELAC2 is on the minus strand). VCF-style: chr17-13011675-G-A. GRCh37 (hg19) VCF-style: chr17-12914992-G-A.
Other names: c.667C>T, p.His223Tyr (NM_173717.2); c.560-1004C>T (NM_001165962.2); short protein forms H223Y.
Identifiers: ClinVar variation 1385485 (VCV001385485.8), dbSNP rs1335862034, ClinGen allele CA398217382.
Genomic context (GRCh38, chr17:13,011,675, plus strand): 5'-TAAGAAAACGCAAGCCTTTCTGCTGCTCTGTTTTGTTTATACTATTACCATGTGGAAGGT[G>A]TGGCTCATTTTCATTCGACTCGGAGTCTGAAGATCGCTCTGGACTGAGCCTGCTGAGAGG-3'
Protein context (NP_060597.4, residues 213-233): SDSESNENEP[His223Tyr]LPHGVSQRRG

ClinVar aggregate classification (germline): Uncertain significance (1 of 4 stars; one submission).

Conditions:
Combined oxidative phosphorylation defect type 17. Also called: Combined oxidative phosphorylation deficiency 17. Identifiers: Orphanet 369913, MedGen C3809526, MONDO:0014190, OMIM 615440.

Allele frequency attached by ClinVar (database versions not stated): gnomAD exomes below 0.00001.
gnomAD v4.1: 1 of 1,614,184 alleles (0.000062%); highest among the groups gnomAD compares: Non-Finnish European, 0.000085%; no homozygotes.

Submission:

Labcorp Genetics (formerly Invitae), Labcorp
Classification: Uncertain significance for Combined oxidative phosphorylation defect type 17. Last evaluated: 2020-12-27. Review status: criteria provided, single submitter. Criteria: Invitae Variant Classification Sherloc (09022015). Collection method: clinical testing. Allele origin: germline.
Comment: In summary, the available evidence is currently insufficient to determine the role of this variant in disease. Therefore, it has been classified as a Variant of Uncertain Significance. Algorithms developed to predict the effect of missense changes on protein structure and function (SIFT, PolyPhen-2, Align-GVGD) all suggest that this variant is likely to be tolerated, but these predictions have not been confirmed by published functional studies and their clinical significance is uncertain. This variant has not been reported in the literature in individuals with ELAC2-related conditions. This variant is not present in population databases (ExAC no frequency). This sequence change replaces histidine with tyrosine at codon 223 of the ELAC2 protein (p.His223Tyr). The histidine residue is weakly conserved and there is a moderate physicochemical difference between histidine and tyrosine.